The following is an entry in ClinVar:

NM_004036.5(ADCY3):c.84T>A (p.Pro28=)

Gene: ADCY3 (adenylate cyclase 3; minus strand). Cytogenetic location: 2p23.3.
Variant type: single nucleotide variant.
Coding change: c.84T>A on transcript NM_004036.5 (MANE Select); coding-DNA position 84, T replaced by A.
Protein change: p.Pro28=; no amino-acid change (proline 28 retained).
Molecular consequence: synonymous variant.
Genome position (GRCh38, 1-based): chr2:24,918,904, A>T on the plus strand (T>A on the coding strand, the complement: ADCY3 is on the minus strand). VCF-style: chr2-24918904-A-T. GRCh37 (hg19) VCF-style: chr2-25141773-A-T.
Other names: c.84T>A, p.Pro28= (NM_001320613.2, NM_001377128.1, NM_001377129.1 and 2 more transcripts).
Identifiers: ClinVar variation 4988057 (VCV004988057.1).

ClinVar aggregate classification (germline): Likely benign (1 of 4 stars; one submission).

Conditions:
ADCY3-related disorder. Also called: ADCY3-related condition.

Submission:

PreventionGenetics, part of Exact Sciences
Classification: Likely benign for ADCY3-related condition. Last evaluated: 2026-03-06. Review status: criteria provided, single submitter. Criteria: ACMG Guidelines, 2015. Collection method: clinical testing. Allele origin: germline.
Comment: This variant is classified as likely benign based on ACMG/AMP sequence variant interpretation guidelines (Richards et al. 2015 PMID: 25741868, with internal and published modifications).